The following is an entry in ClinVar:

ClinVar aggregate classification (germline): Pathogenic. Review status: criteria provided, multiple submitters, no conflicts (2 of 4 stars). 13 submissions from 13 submitters: Pathogenic (11). 2 of the submissions do not count toward it. Last evaluated 2026-04-28.

Conditions:
Difficulty walking. Identifiers: MedGen C0311394.
Abnormal facial shape. Also called: Dysmorphic facies; Dysmorphic facial features. Identifiers: MedGen C0424503, HP:0001999.
Polymicrogyria. Identifiers: Orphanet 35981, MedGen C0266464, MONDO:0000087, HP:0002126.
Global developmental delay (DD). Also called: Cognitive delay. Identifiers: MedGen C0557874, HP:0001263. Disease mechanism: loss of function.
Kleefstra syndrome 1 (KLEFS1). Identifiers: Orphanet 261494, MedGen C0795833, MONDO:0027407, OMIM 610253.

Submissions (13):

Wales Gene Park, Division Of Cancer and Genetics, Cardiff University
Classification: Pathogenic for Kleefstra syndrome 1. Last evaluated: 2026-04-28. Review status: criteria provided, single submitter. Criteria: ACGS Best Practice Guidelines for Variant Classification in Rare Disease 2024. Collection method: research. Allele origin: unknown. Inheritance: Autosomal dominant inheritance. Affected: yes. Study: 100,000 Genomes Project (Wales).
Comment: Heterozygous EHMT1 splice site variant detected by genome sequencing. Not present in gnomAD (v4.1.1). Multiple reports of this variant as pathogenic and de novo in ClinVar (Accession: VCV000374034.44). Evidence codes: PVS1, PM2, PS2_strong.

Variantyx, Inc.
Classification: Pathogenic for Kleefstra syndrome 1. Last evaluated: 2025-09-23. Review status: criteria provided, single submitter. Criteria: Variantyx Assertion Criteria 2022. Collection method: clinical testing. Allele origin: germline. Inheritance: Autosomal recessive inheritance. Affected: yes.
Comment: This is a canonical splicing variant in the EHMT1 gene (OMIM: 607001). Pathogenic variants in this gene have been associated with autosomal dominant Kleefstra syndrome 1. This splicing variant is expected to result in loss of function, which is a known disease mechanism for EHMT1 in this disorder (PMID: 16826528, 19264732) (PVS1). This variant has been reported in at least 2 unrelated affected individuals (PMID: 23232695, 30370152) (PS4_Moderate) and is absent from control populations (PM2). Based on the current evidence, this variant is classified as pathogenic for autosomal dominant Kleefstra syndrome 1.

Women's Health and Genetics/Laboratory Corporation of America, LabCorp
Classification: Pathogenic for Kleefstra syndrome 1. Last evaluated: 2024-10-22. Review status: criteria provided, single submitter. Criteria: LabCorp Variant Classification Summary - May 2015. Collection method: clinical testing. Allele origin: germline.
Comment: Variant summary: EHMT1 c.2712+1G>A is located in a canonical splice-site and is predicted to affect mRNA splicing resulting in a significantly altered protein due to either exon skipping, shortening, or inclusion of intronic material. Variants that disrupt the consensus splice site are a relatively common cause of aberrant splicing and loss of EHMT1 function. Several computational tools predict a significant impact on normal splicing: Four predict the variant abolishes a 5' splicing donor site. One predicts the variant weakens a cryptic 3' acceptor site. At least one publication reports experimental evidence that this variant affects mRNA splicing in patient cells, resulting in multiple aberrant transcript species which either skip exon 18 (in frame) or include 4 base pairs of intronic sequence (frameshift expected) (example, Rump_2013). The variant was absent in 251112 control chromosomes. c.2712+1G>A has been reported in the literature de novo in at least 2 individuals affected with Kleefstra Syndrome 1 (example, Rump_2013, Torga_2018). The following publications have been ascertained in the context of this evaluation (PMID: 23232695, 30370152). ClinVar contains an entry for this variant (Variation ID: 374034). Based on the evidence outlined above, the variant was classified as pathogenic.

Labcorp Genetics (formerly Invitae), Labcorp
Classification: Pathogenic for Kleefstra syndrome 1. Last evaluated: 2023-11-17. Review status: criteria provided, single submitter. Criteria: Invitae Variant Classification Sherloc (09022015). Collection method: clinical testing. Allele origin: germline.
Comment: This sequence change affects a donor splice site in intron 18 of the EHMT1 gene. It is expected to disrupt RNA splicing. Variants that disrupt the donor or acceptor splice site typically lead to a loss of protein function (PMID: 16199547), and loss-of-function variants in EHMT1 are known to be pathogenic (PMID: 16826528, 19264732). This variant is not present in population databases (gnomAD no frequency). Disruption of this splice site has been observed in individuals with Kleefstra syndrome (PMID: 23232695, 30370152, 31623504). ClinVar contains an entry for this variant (Variation ID: 374034). Algorithms developed to predict the effect of sequence changes on RNA splicing suggest that this variant may disrupt the consensus splice site. For these reasons, this variant has been classified as Pathogenic.

CeGaT Center for Human Genetics Tuebingen
Classification: Pathogenic. Last evaluated: 2023-03-01. Review status: criteria provided, single submitter. Criteria: CeGaT Center For Human Genetics Tuebingen Variant Classification Criteria Version 2. Collection method: clinical testing. Allele origin: germline. Affected: yes. Observed: 1 variant allele.
Comment: EHMT1: PVS1, PS2, PM2

GeneDx
Classification: Pathogenic. Last evaluated: 2022-02-24. Review status: criteria provided, single submitter. Criteria: GeneDx Variant Classification Process June 2021. Collection method: clinical testing. Allele origin: germline. Affected: yes.
Comment: Canonical splice site variant expected to result in aberrant splicing, although in the absence of functional evidence the actual effect of this sequence change is unknown.; Not observed at significant frequency in large population cohorts (gnomAD); This variant is associated with the following publications: (PMID: 31623504, 23232695, 30370152)

Institute of Medical Genetics and Applied Genomics, University Hospital Tübingen
Classification: Pathogenic. Last evaluated: 2020-10-23. Review status: criteria provided, single submitter. Criteria: ACMG Guidelines, 2015. Collection method: clinical testing. Allele origin: germline. Inheritance: Autosomal dominant inheritance. Affected: yes.

Victorian Clinical Genetics Services, Murdoch Childrens Research Institute
Classification: Pathogenic for Kleefstra syndrome 1. Last evaluated: 2020-05-26. Review status: criteria provided, single submitter. Criteria: ACMG Guidelines, 2015. Collection method: clinical testing. Allele origin: germline. Inheritance: Autosomal dominant inheritance. Affected: yes.
Comment: Based on the classification scheme VCGS_Germline_v0.6.1, this variant is classified as Pathogenic. Following criteria are met: 0102 - Loss of function is a known mechanism of disease for this gene. (N) 0107 - This gene is known to be associated with autosomal dominant disease. (N) 0201 - Variant is predicted to cause nonsense-mediated decay (NMD) and loss of protein. The substitution at this canonical splice site has been shown to result in a frameshift leading to a predicted loss of protein function through NMD (PMID 23232695) (intron 18 of 26). (P) 0213 - In-frame insertion/deletion in a non-repetitive region that has high conservation. The substitution at this canonical splice site has also been shown to result in skipping of exon 18 (PMID 23232695). (P) 0301 - Variant is absent from gnomAD. (P) 0401 - Variant is located in a gene associated with a severe early onset DOMINANT condition that is INTOLERANT to loss-of-function variants. (P) 0505 - Abnormal splicing is predicted by in silico tools and nucleotide is highly conserved. (P) 0604 - Variant is not located in an established domain, motif or hotspot. (N) 0704 - Comparable variant in relevant codon/region has low previous evidence for pathogenicity. A different variant in the same splice site, c.2712+1G>C, has also been previously reported in a clinical case (ClinVar). (P) 0802 - Moderate previous evidence of pathogenicity in unrelated individuals. This variant has previously been reported in multiple patients with Kleefstra syndrome, and was shown to be de novo on one occasion (ClinVar; PMID: 23232695, 30370152). (P) 1007 - No published functional evidence has been identified for this variant. (N) Legend: (P) - Pathogenic, (N) - Neutral, (B) - Benign

Genomic Medicine Lab, University of California San Francisco
Classification: Pathogenic for Kleefstra syndrome 1. Last evaluated: 2019-03-21. Review status: criteria provided, single submitter. Criteria: ACMG Guidelines, 2015. Collection method: clinical testing. Allele origin: de novo. Inheritance: Autosomal dominant inheritance. Affected: yes. Study: CSER.

Centre for Mendelian Genomics, University Medical Centre Ljubljana
Classification: Pathogenic for Abnormal facial shape; Gait disturbance; Global developmental delay; Polymicrogyria. Last evaluated: 2015-10-21. Review status: criteria provided, single submitter. Criteria: ACMG Guidelines, 2015. Collection method: clinical testing. Allele origin: unknown. Affected: yes.

Laboratory of Genetics, Children's Clinical University Hospital Latvia
Classification: Pathogenic for Kleefstra syndrome 1. Review status: criteria provided, single submitter. Criteria: ACMG Guidelines, 2015. Collection method: curation. Allele origin: de novo. Affected: yes.
Comment: de novo

Laboratory of Molecular Genetics (Pr. Bezieau's lab), CHU de Nantes
Classification: Pathogenic. Last evaluated: 2017-01-27. Review status: no assertion criteria provided. Collection method: clinical testing. Allele origin: germline. Affected: yes. Not counted in ClinVar's aggregate classification.

Cytogénomique, Hospices Civils de Lyon
Classification: Pathogenic for Kleefstra syndrome 1. Review status: no assertion criteria provided. Collection method: clinical testing. Allele origin: de novo. Inheritance: Autosomal dominant inheritance. Affected: yes. Not counted in ClinVar's aggregate classification.

Literature cited by the submitters: PubMed 16826528 (cited by Variantyx, Inc. and Labcorp Genetics (formerly Invitae), Labcorp); PubMed 19264732 (cited by Variantyx, Inc. and Labcorp Genetics (formerly Invitae), Labcorp); PubMed 23232695 (cited by 4 submitters); PubMed 30370152 (cited by 4 submitters); PubMed 16199547 (cited by Labcorp Genetics (formerly Invitae), Labcorp); PubMed 31623504 (cited by Labcorp Genetics (formerly Invitae), Labcorp); PubMed 39013458 (cited by Laboratory of Genetics, Children's Clinical University Hospital Latvia).

NM_024757.5(EHMT1):c.2712+1G>A

Gene: EHMT1 (euchromatic histone lysine methyltransferase 1; plus strand). Cytogenetic location: 9q34.3.
Variant type: single nucleotide variant.
Coding change: c.2712+1G>A on transcript NM_024757.5 (MANE Select); the canonical splice donor site of the intron after coding-DNA position 2712, G replaced by A.
Molecular consequence: splice donor variant.
Genome position (GRCh38, 1-based): chr9:137,800,985, G>A. VCF-style: chr9-137800985-G-A. GRCh37 (hg19) VCF-style: chr9-140695437-G-A.
Other names: c.2691+1G>A (NM_001354263.2).
Identifiers: ClinVar variation 374034 (VCV000374034.46), dbSNP rs1057518849, ClinGen allele CA16043442.